The following is an entry in ClinVar:

NM_001127178.3(PIGG):c.1106_1107del (p.Ser368_Tyr369insTer)

Gene: PIGG (phosphatidylinositol glycan anchor biosynthesis class G (EMM blood group); plus strand). Cytogenetic location: 4p16.3.
Variant type: Microsatellite.
Coding change: c.1106_1107del on transcript NM_001127178.3 (MANE Select); coding-DNA positions 1106 to 1107, 2 bases deleted (AT; older notation c.1106_1107delAT).
Protein change: p.Ser368_Tyr369insTer.
Molecular consequence: nonsense. On other transcripts: 5 prime UTR variant (3), non-coding transcript variant (10).
Genome position (GRCh38, 1-based): chr4:516,177-516,178, AT deleted; deleting any 2 consecutive bases within chr4:516,175-516,178 gives the same sequence; the c. name uses the placement nearest the transcript's 3' end. VCF-style (leftmost placement, unchanged base first): chr4-516174-CAT-C. GRCh37 (hg19) VCF-style: chr4-509963-CAT-C.
Other names: c.839_840del, p.Ser279_Tyr280insTer (NM_001289051.2, NM_001289053.2, NM_001289057.2 and 2 more transcripts); c.707_708del, p.Ser235_Tyr236insTer (NM_001289052.2); c.740_741del, p.Ser246_Tyr247insTer (NM_001289055.2); c.77_78del, p.Ser25_Tyr26insTer (NM_001345988.2); c.1106_1107del, p.Ser368_Tyr369insTer (NM_001345989.2, NM_017733.5); c.-522AT[1] (NM_001345990.2); c.-384AT[1] (NM_001345991.2); c.-109AT[1] (NM_001345994.2); and 1 more.
Identifiers: ClinVar variation 1033296 (VCV001033296.4), dbSNP rs1560313832, ClinGen allele CA549262976.

ClinVar aggregate classification (germline): Pathogenic/Likely pathogenic. Review status: criteria provided, multiple submitters, no conflicts (2 of 4 stars). 3 submissions from 3 submitters: Pathogenic (2); Likely pathogenic (1). Last evaluated 2025-08-07.

Conditions:
Intellectual disability, autosomal recessive 53 (NEDHSCA). Also called: GLYCOSYLPHOSPHATIDYLINOSITOL BIOSYNTHESIS DEFECT 13; Mental retardation, autosomal recessive 53; NEURODEVELOPMENTAL DISORDER WITH OR WITHOUT HYPOTONIA, SEIZURES, AND CEREBELLAR ATROPHY. Identifiers: Orphanet 488635, MedGen C4310794, MONDO:0014832, OMIM 616917.

Submissions (3):

GeneDx
Classification: Likely pathogenic. Last evaluated: 2025-08-07. Review status: criteria provided, single submitter. Criteria: GeneDx Variant Classification Process June 2021. Collection method: clinical testing. Allele origin: germline. Affected: yes.
Comment: Nonsense variant predicted to result in protein truncation or nonsense mediated decay in a gene for which loss of function is a known mechanism of disease; Not observed at significant frequency in large population cohorts (gnomAD); Has not been previously published as pathogenic or benign to our knowledge

Labcorp Genetics (formerly Invitae), Labcorp
Classification: Pathogenic for Intellectual disability, autosomal recessive 53. Last evaluated: 2024-12-27. Review status: criteria provided, single submitter. Criteria: Invitae Variant Classification Sherloc (09022015). Collection method: clinical testing. Allele origin: germline.
Comment: This sequence change creates a premature translational stop signal (p.Tyr369*) in the PIGG gene. It is expected to result in an absent or disrupted protein product. Loss-of-function variants in PIGG are known to be pathogenic (PMID: 26996948, 28581210, 28771251). This variant is present in population databases (no rsID available, gnomAD 0.002%). This variant has not been reported in the literature in individuals affected with PIGG-related conditions. For these reasons, this variant has been classified as Pathogenic.

Baylor Genetics
Classification: Pathogenic for Intellectual disability, autosomal recessive 53. Last evaluated: 2018-02-25. Review status: criteria provided, single submitter. Criteria: ACMG Guidelines, 2015. Collection method: clinical testing. Allele origin: paternal. Affected: yes.
Comment: This variant was determined to be pathogenic according to ACMG Guidelines, 2015 [PMID:25741868].

Literature cited by the submitters: PubMed 26996948 (cited by Labcorp Genetics (formerly Invitae), Labcorp); PubMed 28581210 (cited by Labcorp Genetics (formerly Invitae), Labcorp); PubMed 28771251 (cited by Labcorp Genetics (formerly Invitae), Labcorp).